The following is an entry in ClinVar:

ClinVar aggregate classification (germline): Likely pathogenic. Review status: criteria provided, single submitter (1 of 4 stars). 2 submissions from 2 submitters: Likely pathogenic (1). 1 of the submissions does not count toward it.

Conditions:
Premature ovarian failure 10 (POF10). Identifiers: MedGen C4225402, MONDO:0044776, OMIM 612885.
Azoospermia. Identifiers: MedGen C0004509, MeSH D053713, MONDO:0100459, HP:0000027, MONDO:0004983.

gnomAD v4.1: 1 of 1,612,016 alleles (0.000062%); highest among the groups gnomAD compares: Non-Finnish European, 0.000085%; no homozygotes.

Submissions (2):

Royal Medical Services, Bahrain Defence Force Hospital
Classification: Likely pathogenic for Premature ovarian failure 10. Review status: criteria provided, single submitter. Criteria: ACMG Guidelines, 2015. Collection method: clinical testing. Allele origin: germline. Inheritance: Autosomal recessive inheritance. Affected: yes. Observed: 1 homozygote.
Comment: The MCM8 variant c.482A>C p.(His161Pro) causes an amino acid change from His to Pro at position 161. According to HGMD Professional 2020.3, this variant has previously been described as disease causing for Premature ovarian failure by Bouali et al., 2017 (PMID: 28863940). And recently has been re-classified as likely pathogenic variant (class 2) according to the recommendations of CENTOGENE, AMP and ACMG.

Genetics of Infertility and Preimplantation Genetic Diagnosis, Centre Hospitalier Universitaire Grenoble Alpes
Classification: Pathogenic for Azoospermia. Last evaluated: 2021-12-20. Review status: no assertion criteria provided. Collection method: case-control. Allele origin: biparental. Affected: yes. Observed: 2 variant alleles. Not counted in ClinVar's aggregate classification.

Literature cited by the submitters: PubMed 28863940 (cited by Royal Medical Services, Bahrain Defence Force Hospital).

NM_032485.6(MCM8):c.482A>C (p.His161Pro)

Gene: MCM8 (minichromosome maintenance 8 homologous recombination repair factor; plus strand). Cytogenetic location: 20p12.3.
Variant type: single nucleotide variant.
Coding change: c.482A>C on transcript NM_032485.6 (MANE Select); coding-DNA position 482, A replaced by C.
Protein change: p.His161Pro; replaces histidine 161 with proline.
Molecular consequence: missense variant.
Genome position (GRCh38, 1-based): chr20:5,955,247, A>C. VCF-style: chr20-5955247-A-C. GRCh37 (hg19) VCF-style: chr20-5935893-A-C.
Other names: c.482A>C, p.His161Pro (NM_001281520.2, NM_001281521.2, NM_001281522.2 and 1 more transcripts); c.482A>C (NM_001281521.1); short protein forms H161P.
Identifiers: ClinVar variation 1328959 (VCV001328959.3), dbSNP rs140044814, ClinGen allele CA408190620.
Genomic context (GRCh38, chr20:5,955,247, plus strand): 5'-TAGCAACTGAACTAAGAGATGCACCTGAGAAAACCTTGGCTTGCATGGGTTTGGCAATAC[A>C]TCAGGTAACTATTTGTCTTATGCATACTTTTGTCTAAACTTTTTTAATGTTTGCACACAC-3'
Protein context (NP_115874.3, residues 151-171): KTLACMGLAI[His161Pro]QVLTKDLERH